The following is an entry in ClinVar:

ClinVar aggregate classification (germline): Uncertain significance (1 of 4 stars; one submission).

Submission:

GeneDx
Classification: Uncertain significance. Last evaluated: 2026-09-01. Review status: criteria provided, single submitter. Criteria: GeneDx Variant Classification Process June 2021. Collection method: clinical testing. Allele origin: germline.
Comment: Not observed at significant frequency in large population cohorts (gnomAD); In silico analysis supports that this missense variant has a deleterious effect on protein structure/function; Has not been previously published as pathogenic or benign to our knowledge

NM_003074.4(SMARCC1):c.2108C>G (p.Ala703Gly)

Gene: SMARCC1 (SWI/SNF related BAF chromatin remodeling complex subunit C1; minus strand). Cytogenetic location: 3p21.31.
Variant type: single nucleotide variant.
Coding change: c.2108C>G on transcript NM_003074.4 (MANE Select); coding-DNA position 2108, C replaced by G.
Protein change: p.Ala703Gly; replaces alanine 703 with glycine.
Molecular consequence: missense variant.
Genome position (GRCh38, 1-based): chr3:47,662,384, G>C on the plus strand (C>G on the coding strand, the complement: SMARCC1 is on the minus strand). VCF-style: chr3-47662384-G-C. GRCh37 (hg19) VCF-style: chr3-47703874-G-C.
Other names: short protein forms A703G.
Identifiers: ClinVar variation 4795322 (VCV004795322.2).